The following is an entry in ClinVar:

NM_015107.3(PHF8):c.2211A>G (p.Ser737=)

Gene: PHF8 (PHD finger protein 8; minus strand). Cytogenetic location: Xp11.22.
Variant type: single nucleotide variant.
Coding change: c.2211A>G on transcript NM_015107.3 (MANE Select); coding-DNA position 2211, A replaced by G.
Protein change: p.Ser737=; no amino-acid change (serine 737 retained).
Molecular consequence: synonymous variant.
Genome position (GRCh38, 1-based): chrX:53,985,146, T>C on the plus strand (A>G on the coding strand, the complement: PHF8 is on the minus strand). VCF-style: chrX-53985146-T-C. GRCh37 (hg19) VCF-style: chrX-54011579-T-C.
Other names: c.2319A>G, p.Ser773= (NM_001184896.1); c.1908A>G, p.Ser636= (NM_001184897.2); c.2160A>G, p.Ser720= (NM_001184898.2).
Identifiers: ClinVar variation 3906092 (VCV003906092.10).
Genomic context (GRCh38, chrX:53,985,146, plus strand): 5'-GCTCCCACTGCTTCGATCCTGTCCCCCAGTCCACCAGGCCTGCAGGCTAGAGGTAGCCGG[T>C]GAGGACGATGAGGACTGCAGGTTGGCCATGCACAGCATGCCCTGGATGGCCTCCTGAGTG-3'
Protein context (NP_055922.1, residues 727-747): CMANLQSSSS[Ser737=]PATSSLQAWW

ClinVar aggregate classification (germline): Likely benign (1 of 4 stars; one submission).

gnomAD v4.1: 13 of 1,203,060 alleles (0.0011%); highest among the groups gnomAD compares: Non-Finnish European, 0.0013%; no homozygotes.

Submission:

CeGaT Center for Human Genetics Tuebingen
Classification: Likely benign. Last evaluated: 2025-06-01. Review status: criteria provided, single submitter. Criteria: CeGaT Center For Human Genetics Tuebingen Variant Classification Criteria Version 2. Collection method: clinical testing. Allele origin: germline. Affected: yes. Observed: 1 variant allele.
Comment: PHF8: BP4, BP7, BS2